The following is an entry in ClinVar:

NM_014264.5(PLK4):c.2077G>C (p.Val693Leu)

Gene: PLK4 (polo like kinase 4; plus strand). Cytogenetic location: 4q28.1.
Variant type: single nucleotide variant.
Coding change: c.2077G>C on transcript NM_014264.5 (MANE Select); coding-DNA position 2077, G replaced by C.
Protein change: p.Val693Leu; replaces valine 693 with leucine.
Molecular consequence: missense variant.
Genome position (GRCh38, 1-based): chr4:127,892,403, G>C. VCF-style: chr4-127892403-G-C. GRCh37 (hg19) VCF-style: chr4-128813558-G-C.
Other names: c.1981G>C, p.Val661Leu (NM_001190799.2); c.1954G>C, p.Val652Leu (NM_001190801.2); short protein forms V693L, V661L, V652L.
Identifiers: ClinVar variation 1524331 (VCV001524331.6), dbSNP rs1249606592, ClinGen allele CA358160106.

ClinVar aggregate classification (germline): Uncertain significance (1 of 4 stars; one submission).

Allele frequency attached by ClinVar (database versions not stated): TOPMed below 0.00001; gnomAD 0.00001.

Submission:

Labcorp Genetics (formerly Invitae), Labcorp
Classification: Uncertain significance. Last evaluated: 2021-04-08. Review status: criteria provided, single submitter. Criteria: Invitae Variant Classification Sherloc (09022015). Collection method: clinical testing. Allele origin: germline.
Comment: This variant has not been reported in the literature in individuals with PLK4-related conditions. This variant is not present in population databases (ExAC no frequency). This sequence change replaces valine with leucine at codon 693 of the PLK4 protein (p.Val693Leu). The valine residue is moderately conserved and there is a small physicochemical difference between valine and leucine. Algorithms developed to predict the effect of missense changes on protein structure and function are either unavailable or do not agree on the potential impact of this missense change (SIFT: "Deleterious"; PolyPhen-2: "Benign"; Align-GVGD: "Class C0"). In summary, the available evidence is currently insufficient to determine the role of this variant in disease. Therefore, it has been classified as a Variant of Uncertain Significance.